The following is an entry in ClinVar:

NM_000032.5(ALAS2):c.225G>A (p.Ser75=)

Genes: ALAS2 (5'-aminolevulinate synthase 2; minus strand), LOC108663984 (ALAS2 intron 1 and 3 erythroid regulatory elements; plus strand). Cytogenetic location: Xp11.21.
Variant type: single nucleotide variant.
Coding change: c.225G>A on transcript NM_000032.5 (MANE Select); coding-DNA position 225, G replaced by A.
Protein change: p.Ser75=; no amino-acid change (serine 75 retained).
Molecular consequence: synonymous variant.
Genome position (GRCh38, 1-based): chrX:55,024,797, C>T on the plus strand (G>A on the coding strand, the complement: ALAS2 is on the minus strand). VCF-style: chrX-55024797-C-T. GRCh37 (hg19) VCF-style: chrX-55051230-C-T.
Other names: c.225G>A, p.Ser75= (NM_001037967.4); c.297G>A, p.Ser99= (NM_001037968.4); c.225G>A (NM_000032.4).
Identifiers: ClinVar variation 2420608 (VCV002420608.10), dbSNP rs374346410, ClinGen allele CA10428460.

ClinVar aggregate classification (germline): Likely benign. Review status: criteria provided, multiple submitters, no conflicts (2 of 4 stars). 3 submissions from 3 submitters: Likely benign (2). 1 of the submissions does not count toward it. Last evaluated 2025-04-09.

Conditions:
ALAS2-related disorder. Also called: ALAS2-related condition.

Allele frequency attached by ClinVar (database versions not stated): gnomAD exomes 0.00009; ExAC 0.00013.
gnomAD v4.1: 153 of 1,209,898 alleles (0.013%); highest among the groups gnomAD compares: African/African-American, 0.066%; 1 homozygote.

Submissions (3):

Labcorp Genetics (formerly Invitae), Labcorp
Classification: Likely benign. Last evaluated: 2025-04-09. Review status: criteria provided, single submitter. Criteria: Invitae Variant Classification Sherloc (09022015). Collection method: clinical testing. Allele origin: germline.

Blueprint Genetics
Classification: Likely benign. Last evaluated: 2024-09-13. Review status: criteria provided, single submitter. Criteria: ACMG Guidelines, 2015. Collection method: clinical testing. Allele origin: germline.

PreventionGenetics, part of Exact Sciences
Classification: Likely benign for ALAS2-related condition. Last evaluated: 2020-02-18. Review status: no assertion criteria provided. Collection method: clinical testing. Allele origin: germline. Not counted in ClinVar's aggregate classification.
Comment: This variant is classified as likely benign based on ACMG/AMP sequence variant interpretation guidelines (Richards et al. 2015 PMID: 25741868, with internal and published modifications).